The following is an entry in ClinVar:

ClinVar aggregate classification (germline): Uncertain significance. Review status: criteria provided, multiple submitters, no conflicts (2 of 4 stars). 4 submissions from 4 submitters: Uncertain significance (3). 1 of the submissions does not count toward it. Last evaluated 2022-04-09.

Conditions:
Stüve-Wiedemann syndrome 1. Also called: STUVE-WIEDEMANN/SCHWARTZ-JAMPEL TYPE 2 SYNDROME. Identifiers: Orphanet 3206, MedGen C5676888, MONDO:0800043, OMIM 601559.
Stuve-Wiedemann syndrome (STWS). Also called: Stüve-Wiedemann syndrome. Identifiers: Orphanet 3206, MedGen C0796176, MONDO:0031280.

Allele frequency attached by ClinVar (database versions not stated): ExAC 0.00001; gnomAD 0.00001; gnomAD exomes 0.00001 and 0.00003; TOPMed 0.00005.
gnomAD v4.1: 46 of 1,612,006 alleles (0.0029%); highest among the groups gnomAD compares: Non-Finnish European, 0.0038%; no homozygotes.

Submissions (4):

Labcorp Genetics (formerly Invitae), Labcorp
Classification: Uncertain significance. Last evaluated: 2022-04-09. Review status: criteria provided, single submitter. Criteria: Invitae Variant Classification Sherloc (09022015). Collection method: clinical testing. Allele origin: germline.
Comment: This sequence change replaces proline, which is neutral and non-polar, with alanine, which is neutral and non-polar, at codon 136 of the LIFR protein (p.Pro136Ala). The frequency data for this variant in the population databases is considered unreliable, as metrics indicate poor data quality at this position in the gnomAD database. This variant has not been reported in the literature in individuals affected with LIFR-related conditions. ClinVar contains an entry for this variant (Variation ID: 811716). Algorithms developed to predict the effect of missense changes on protein structure and function (SIFT, PolyPhen-2, Align-GVGD) all suggest that this variant is likely to be disruptive. In summary, the available evidence is currently insufficient to determine the role of this variant in disease. Therefore, it has been classified as a Variant of Uncertain Significance.

Fulgent Genetics
Classification: Uncertain significance for Stüve-Wiedemann syndrome 1. Last evaluated: 2021-07-25. Review status: criteria provided, single submitter. Criteria: ACMG Guidelines, 2015. Collection method: clinical testing. Allele origin: unknown.

ARUP Laboratories, Molecular Genetics and Genomics, ARUP Laboratories
Classification: Uncertain significance for Stüve-Wiedemann syndrome 1. Last evaluated: 2018-07-19. Review status: criteria provided, single submitter. Criteria: ARUP Molecular Germline Variant Investigation Process. Collection method: clinical testing. Allele origin: germline.
Comment: The LIFR c.406C>G; p.Pro136Ala variant (rs761024368), to our knowledge, is not described in the medical literature or in gene-specific databases. It is observed in the general population at a low overall frequency of 0.001% (3/245838 alleles) in the Genome Aggregation Database. The proline at codon 136 is highly conserved, and computational algorithms (PolyPhen-2, SIFT) predict that this variant is deleterious. However, due to the lack of clinical and functional data regarding this variant, its clinical significance cannot be determined with certainty.

Natera, Inc.
Classification: Uncertain significance for Stuve-Wiedemann syndrome. Last evaluated: 2020-09-16. Review status: no assertion criteria provided. Collection method: clinical testing. Allele origin: germline. Not counted in ClinVar's aggregate classification.

NM_001127671.2(LIFR):c.406C>G (p.Pro136Ala)

Gene: LIFR (LIF receptor subunit alpha; minus strand). Cytogenetic location: 5p13.1.
Variant type: single nucleotide variant.
Coding change: c.406C>G on transcript NM_001127671.2 (MANE Select); coding-DNA position 406, C replaced by G.
Protein change: p.Pro136Ala; replaces proline 136 with alanine.
Molecular consequence: missense variant.
Genome position (GRCh38, 1-based): chr5:38,523,574, G>C on the plus strand (C>G on the coding strand, the complement: LIFR is on the minus strand). VCF-style: chr5-38523574-G-C. GRCh37 (hg19) VCF-style: chr5-38523676-G-C.
Other names: c.406C>G, p.Pro136Ala (NM_001364297.2, NM_001364298.2, NM_002310.6); short protein forms P136A.
Identifiers: ClinVar variation 811716 (VCV000811716.11), dbSNP rs761024368, ClinGen allele CA3243217.